The following is an entry in ClinVar:

NM_000093.5(COL5A1):c.527A>G (p.Asn176Ser)

Gene: COL5A1 (collagen type V alpha 1 chain; plus strand). Cytogenetic location: 9q34.3.
Variant type: single nucleotide variant.
Coding change: c.527A>G on transcript NM_000093.5 (MANE Select); coding-DNA position 527, A replaced by G.
Protein change: p.Asn176Ser; replaces asparagine 176 with serine.
Molecular consequence: missense variant.
Genome position (GRCh38, 1-based): chr9:134,701,206, A>G. VCF-style: chr9-134701206-A-G. GRCh37 (hg19) VCF-style: chr9-137593052-A-G.
Other names: c.527A>G, p.Asn176Ser (NM_001278074.1); short protein forms N176S.
Identifiers: ClinVar variation 2448288 (VCV002448288.5), dbSNP rs1249593340, ClinGen allele CA375443273.

ClinVar aggregate classification (germline): Conflicting classifications of pathogenicity. Review status: criteria provided, conflicting classifications (1 of 4 stars). 2 submissions from 2 submitters: Uncertain significance (1); Likely benign (1). Last evaluated 2025-11-27.

Conditions:
Familial thoracic aortic aneurysm and aortic dissection (TAAD). Also called: Thoracic aortic aneurysms and dissections. Identifiers: Orphanet 91387, MedGen C4707243, MONDO:0019625.
Ehlers-Danlos syndrome, classic type, 1 (EDSCL1). Also called: EDS I; EHLERS-DANLOS SYNDROME, GRAVIS TYPE; EHLERS-DANLOS SYNDROME, SEVERE CLASSIC TYPE; Ehlers-Danlos syndrome, type 1; Ehlers-Danlos Syndrome, Classic Type, COL5A1-Related. Identifiers: MedGen C0268335, MONDO:0019567, OMIM 130000.

Allele frequency attached by ClinVar (database versions not stated): TOPMed below 0.00001; gnomAD 0.00001; gnomAD exomes 0.00001.
gnomAD v4.1: 8 of 1,613,806 alleles (0.0005%); highest among the groups gnomAD compares: Non-Finnish European, 0.00068%; no homozygotes.

Submissions (2):

Labcorp Genetics (formerly Invitae), Labcorp
Classification: Likely benign for Ehlers-Danlos syndrome, classic type, 1. Last evaluated: 2025-11-27. Review status: criteria provided, single submitter. Criteria: Invitae Variant Classification Sherloc (09022015). Collection method: clinical testing. Allele origin: germline.

Ambry Genetics
Classification: Uncertain significance for Familial thoracic aortic aneurysm and aortic dissection. Last evaluated: 2023-02-17. Review status: criteria provided, single submitter. Criteria: Ambry Variant Classification Scheme 2023. Collection method: clinical testing. Allele origin: germline.
Comment: The p.N176S variant (also known as c.527A>G), located in coding exon 4 of the COL5A1 gene, results from an A to G substitution at nucleotide position 527. The asparagine at codon 176 is replaced by serine, an amino acid with highly similar properties. This amino acid position is not well conserved in available vertebrate species. In addition, this alteration is predicted to be tolerated by in silico analysis. Since supporting evidence is limited at this time, the clinical significance of this alteration remains unclear.